The following is an entry in ClinVar:

NM_001277115.2(DNAH11):c.2622C>G (p.Tyr874Ter)

Gene: DNAH11 (dynein axonemal heavy chain 11; plus strand). Cytogenetic location: 7p15.3.
Variant type: single nucleotide variant.
Coding change: c.2622C>G on transcript NM_001277115.2 (MANE Select); coding-DNA position 2622, C replaced by G.
Protein change: p.Tyr874Ter; replaces tyrosine 874 with a stop codon.
Molecular consequence: nonsense.
Genome position (GRCh38, 1-based): chr7:21,591,532, C>G. VCF-style: chr7-21591532-C-G. GRCh37 (hg19) VCF-style: chr7-21631150-C-G.
Other names: short protein forms Y874*.
Identifiers: ClinVar variation 4851855 (VCV004851855.1).

ClinVar aggregate classification (germline): Likely pathogenic (1 of 4 stars; one submission).

Submission:

Dasa
Classification: Likely pathogenic. Last evaluated: 2026-03-25. Review status: criteria provided, single submitter. Criteria: DASA Assertion Criteria. Collection method: clinical testing. Allele origin: germline.
Comment: NM_001277115.2(DNAH11):c.2622C>G (p.Tyr874*) introduces a premature termination codon predicted to result in loss of normal protein function. Loss-of-function is an established mechanism of disease for this gene. The variant is present at low frequency in population datasets. Based on the available data, this variant is classified as likely pathogenic.